The following is an entry in ClinVar:

ClinVar aggregate classification (germline): Likely benign. Review status: criteria provided, multiple submitters, no conflicts (2 of 4 stars). 5 submissions from 5 submitters: Likely benign (4). 1 of the submissions does not count toward it. Last evaluated 2026-01-04.

Conditions:
Short-rib thoracic dysplasia 10 with or without polydactyly (SRTD10). Identifiers: Orphanet 474, MedGen C3810175, MONDO:0014284, OMIM 615630.
Bardet-Biedl syndrome 20. Identifiers: MedGen C4310707, MONDO:0023670, OMIM 619471, MONDO:0014926.
Retinitis pigmentosa 71 (RP71). Identifiers: Orphanet 791, MedGen C4225342, MONDO:0014618, OMIM 616394.
IFT172-related disorder. Also called: IFT172-related disorders; IFT172-related condition.

Allele frequency attached by ClinVar (database versions not stated): 1000 Genomes Project 30x 0.00016; 1000 Genomes Project 0.00020; ESP Exome Variant Server 0.00046; TOPMed 0.00053; ExAC 0.00060; gnomAD exomes 0.00062 and 0.00065; gnomAD 0.00074 and 0.00078.
gnomAD v4.1: 1,057 of 1,614,200 alleles (0.065%); highest among the groups gnomAD compares: Admixed American, 0.088%; no homozygotes.

Submissions (5):

Labcorp Genetics (formerly Invitae), Labcorp
Classification: Likely benign for Retinitis pigmentosa 71; Short-rib thoracic dysplasia 10 with or without polydactyly. Last evaluated: 2026-01-04. Review status: criteria provided, single submitter. Criteria: Invitae Variant Classification Sherloc (09022015). Collection method: clinical testing. Allele origin: germline.

Blueprint Genetics
Classification: Likely benign. Last evaluated: 2024-11-20. Review status: criteria provided, single submitter. Criteria: ACMG Guidelines, 2015. Collection method: clinical testing. Allele origin: germline.

Fulgent Genetics
Classification: Likely benign for Short-rib thoracic dysplasia 10 with or without polydactyly; Retinitis pigmentosa 71; Bardet-Biedl syndrome 20. Last evaluated: 2022-03-10. Review status: criteria provided, single submitter. Criteria: ACMG Guidelines, 2015. Collection method: clinical testing. Allele origin: unknown.

Genetic Services Laboratory, University of Chicago
Classification: Likely benign. Last evaluated: 2021-11-16. Review status: criteria provided, single submitter. Criteria: ACMG Guidelines, 2015. Collection method: clinical testing. Allele origin: germline. Affected: no.

PreventionGenetics, part of Exact Sciences
Classification: Likely benign for IFT172-related condition. Last evaluated: 2019-08-30. Review status: no assertion criteria provided. Collection method: clinical testing. Allele origin: germline. Not counted in ClinVar's aggregate classification.
Comment: This variant is classified as likely benign based on ACMG/AMP sequence variant interpretation guidelines (Richards et al. 2015 PMID: 25741868, with internal and published modifications).

NM_015662.3(IFT172):c.3186G>A (p.Val1062=)

Gene: IFT172 (intraflagellar transport 172; minus strand). Cytogenetic location: 2p23.3.
Variant type: single nucleotide variant.
Coding change: c.3186G>A on transcript NM_015662.3 (MANE Select); coding-DNA position 3186, G replaced by A.
Protein change: p.Val1062=; no amino-acid change (valine 1062 retained).
Molecular consequence: synonymous variant.
Genome position (GRCh38, 1-based): chr2:27,457,681, C>T on the plus strand (G>A on the coding strand, the complement: IFT172 is on the minus strand). VCF-style: chr2-27457681-C-T. GRCh37 (hg19) VCF-style: chr2-27680548-C-T.
Identifiers: ClinVar variation 772154 (VCV000772154.18), dbSNP rs143922405, ClinGen allele CA1580062.